The following is an entry in ClinVar:

ClinVar aggregate classification (germline): Benign (1 of 4 stars; one submission).

Conditions:
Ehlers-Danlos syndrome, dermatosparaxis type. Also called: EDS VIIC; Dermatosparaxis; Ehlers-Danlos syndrome, type VII, autosomal recessive. Identifiers: Orphanet 1901, MedGen C2700425, MONDO:0009161, OMIM 225410.

Allele frequency attached by ClinVar (database versions not stated): gnomAD exomes 0.28571; TOPMed 0.30113; gnomAD 0.30656 and 0.30843; 1000 Genomes Project 30x 0.34603; 1000 Genomes Project 0.34625.
gnomAD v4.1: 46,910 of 152,164 alleles (31%); highest among the groups gnomAD compares: East Asian, 41%; 7,297 homozygotes.

Submission:

Illumina Laboratory Services, Illumina
Classification: Benign for Ehlers-Danlos syndrome, dermatosparaxis type. Last evaluated: 2018-01-13. Review status: criteria provided, single submitter. Criteria: ICSL Variant Classification Criteria 13 December 2019. Collection method: clinical testing. Allele origin: germline.
Comment: This variant was observed in the ICSL laboratory as part of a predisposition screen in an ostensibly healthy population. It had not been previously curated by ICSL or reported in the Human Gene Mutation Database (HGMD: prior to June 1st, 2018), and was therefore a candidate for classification through an automated scoring system. Utilizing variant allele frequency, disease prevalence and penetrance estimates, and inheritance mode, an automated score was calculated to assess if this variant is too frequent to cause the disease. Based on the score and internal cut-off values, a variant classified as benign is not then subjected to further curation. The score for this variant resulted in a classification of benign for this disease.

NM_014244.5(ADAMTS2):c.*2396C>T

Gene: ADAMTS2 (ADAM metallopeptidase with thrombospondin type 1 motif 2; minus strand). Cytogenetic location: 5q35.3.
Variant type: single nucleotide variant.
Coding change: c.*2396C>T on transcript NM_014244.5 (MANE Select); 2396 bases downstream of the stop codon, C replaced by T.
Molecular consequence: 3 prime UTR variant.
Genome position (GRCh38, 1-based): chr5:179,111,471, G>A on the plus strand (C>T on the coding strand, the complement: ADAMTS2 is on the minus strand). VCF-style: chr5-179111471-G-A. GRCh37 (hg19) VCF-style: chr5-178538472-G-A.
Identifiers: ClinVar variation 353048 (VCV000353048.5), dbSNP rs3797615, ClinGen allele CA10621473.
Genomic context (GRCh38, chr5:179,111,471, plus strand): 5'-GTCGTTTCTCAGAGCCCGGTGAACGTTGGCATTCCTTGGACAGACTTTTGAGGACCATCC[G>A]GCTCTAGAGGACTCTTGATATATGGCTCAAGGATTGAGGATGGCACAGAGGGTCATGGCT-3'